The following is an entry in ClinVar:

NM_017841.4(SDHAF2):c.220A>G (p.Ser74Gly)

Gene: SDHAF2 (succinate dehydrogenase complex assembly factor 2; plus strand). Cytogenetic location: 11q12.2.
Variant type: single nucleotide variant.
Coding change: c.220A>G on transcript NM_017841.4 (MANE Select); coding-DNA position 220, A replaced by G.
Protein change: p.Ser74Gly; replaces serine 74 with glycine.
Molecular consequence: missense variant.
Genome position (GRCh38, 1-based): chr11:61,437,808, A>G. VCF-style: chr11-61437808-A-G. GRCh37 (hg19) VCF-style: chr11-61205280-A-G.
Other names: short protein forms S74G.
Identifiers: ClinVar variation 1367351 (VCV001367351.8), dbSNP rs2134892451, ClinGen allele CA380683714.

ClinVar aggregate classification (germline): Uncertain significance (1 of 4 stars; one submission).

Conditions:
Hereditary pheochromocytoma and paraganglioma. Also called: Hereditary paragangliomas and pheochromocytomas; Hereditary Paraganglioma-Pheochromocytoma Syndromes; Hereditary pheochromocytoma-paraganglioma. Identifiers: Orphanet 29072, MedGen C4274332, MONDO:0017366.

Submission:

Labcorp Genetics (formerly Invitae), Labcorp
Classification: Uncertain significance for Hereditary pheochromocytoma and paraganglioma. Last evaluated: 2022-03-05. Review status: criteria provided, single submitter. Criteria: Invitae Variant Classification Sherloc (09022015). Collection method: clinical testing. Allele origin: germline.
Comment: This variant has not been reported in the literature in individuals affected with SDHAF2-related conditions. This variant is not present in population databases (gnomAD no frequency). This sequence change replaces serine, which is neutral and polar, with glycine, which is neutral and non-polar, at codon 74 of the SDHAF2 protein (p.Ser74Gly). Algorithms developed to predict the effect of missense changes on protein structure and function (SIFT, PolyPhen-2, Align-GVGD) all suggest that this variant is likely to be disruptive. In summary, the available evidence is currently insufficient to determine the role of this variant in disease. Therefore, it has been classified as a Variant of Uncertain Significance.